The following is an entry in ClinVar:

ClinVar aggregate classification (germline): Uncertain significance (1 of 4 stars; one submission).

Submission:

Ambry Genetics
Classification: Uncertain significance. Last evaluated: 2024-07-31. Review status: criteria provided, single submitter. Criteria: Ambry Variant Classification Scheme 2023. Collection method: clinical testing. Allele origin: germline.
Comment: The p.S2361N variant (also known as c.7082G>A), located in coding exon 25 of the POLQ gene, results from a G to A substitution at nucleotide position 7082. The serine at codon 2361 is replaced by asparagine, an amino acid with highly similar properties. This amino acid position is conserved. In addition, the in silico prediction for this alteration is inconclusive. Based on the available evidence, the clinical significance of this variant remains unclear.

NM_199420.4(POLQ):c.7082G>A (p.Ser2361Asn)

Gene: POLQ (DNA polymerase theta; minus strand). Cytogenetic location: 3q13.33.
Variant type: single nucleotide variant.
Coding change: c.7082G>A on transcript NM_199420.4 (MANE Select); coding-DNA position 7082, G replaced by A.
Protein change: p.Ser2361Asn; replaces serine 2361 with asparagine.
Molecular consequence: missense variant.
Genome position (GRCh38, 1-based): chr3:121,460,120, C>T on the plus strand (G>A on the coding strand, the complement: POLQ is on the minus strand). VCF-style: chr3-121460120-C-T. GRCh37 (hg19) VCF-style: chr3-121178967-C-T.
Other names: short protein forms S2361N.
Identifiers: ClinVar variation 3422326 (VCV003422326.1).